The following is an entry in ClinVar:

NM_006767.4(LZTR1):c.2442G>A (p.Gln814=)

Gene: LZTR1 (leucine zipper like post translational regulator 1; plus strand). Cytogenetic location: 22q11.21.
Variant type: single nucleotide variant.
Coding change: c.2442G>A on transcript NM_006767.4 (MANE Select); coding-DNA position 2442, G replaced by A.
Protein change: p.Gln814=; no amino-acid change (glutamine 814 retained).
Molecular consequence: synonymous variant.
Genome position (GRCh38, 1-based): chr22:20,997,267, G>A. VCF-style: chr22-20997267-G-A. GRCh37 (hg19) VCF-style: chr22-21351556-G-A.
Other names: c.2442G>A (NM_006767.3).
Identifiers: ClinVar variation 1948141 (VCV001948141.29), dbSNP rs1924898031, ClinGen allele CA513460797.

ClinVar aggregate classification (germline): Likely benign. Review status: criteria provided, multiple submitters, no conflicts (2 of 4 stars). 3 submissions from 3 submitters: Likely benign (3). Last evaluated 2025-06-01.

Conditions:
Cardiovascular phenotype. Identifiers: MedGen CN230736.
Hereditary cancer-predisposing syndrome. Also called: Hereditary neoplastic syndrome; Tumor predisposition; Neoplastic Syndromes, Hereditary; Hereditary Cancer Syndrome. Identifiers: Orphanet 140162, MedGen C0027672, MeSH D009386, MONDO:0015356.

Allele frequency attached by ClinVar (database versions not stated): TOPMed below 0.00001.
gnomAD v4.1: 1 of 1,613,894 alleles (0.000062%); highest among the groups gnomAD compares: Non-Finnish European, 0.000085%; no homozygotes.

Submissions (3):

Ambry Genetics
Classification: Likely benign for Cardiovascular phenotype; Hereditary cancer-predisposing syndrome. Last evaluated: 2025-06-01. Review status: criteria provided, single submitter. Criteria: Ambry Variant Classification Scheme 2023. Collection method: clinical testing. Allele origin: germline.

CeGaT Center for Human Genetics Tuebingen
Classification: Likely benign. Last evaluated: 2023-05-01. Review status: criteria provided, single submitter. Criteria: CeGaT Center For Human Genetics Tuebingen Variant Classification Criteria Version 2. Collection method: clinical testing. Allele origin: germline. Affected: yes. Observed: 1 variant allele.
Comment: LZTR1: PM2:Supporting, BP4, BP7

Labcorp Genetics (formerly Invitae), Labcorp
Classification: Likely benign. Last evaluated: 2021-12-08. Review status: criteria provided, single submitter. Criteria: Invitae Variant Classification Sherloc (09022015). Collection method: clinical testing. Allele origin: germline.